The following is an entry in ClinVar:

NM_019098.5(CNGB3):c.1006G>T (p.Glu336Ter)

Gene: CNGB3 (cyclic nucleotide gated channel subunit beta 3; minus strand). Cytogenetic location: 8q21.3.
Variant type: single nucleotide variant.
Coding change: c.1006G>T on transcript NM_019098.5 (MANE Select); coding-DNA position 1006, G replaced by T.
Protein change: p.Glu336Ter; replaces glutamic acid 336 with a stop codon.
Molecular consequence: nonsense.
Genome position (GRCh38, 1-based): chr8:86,644,671, C>A on the plus strand (G>T on the coding strand, the complement: CNGB3 is on the minus strand). VCF-style: chr8-86644671-C-A. GRCh37 (hg19) VCF-style: chr8-87656899-C-A.
Other names: short protein forms E336*.
Identifiers: ClinVar variation 188968 (VCV000188968.27), dbSNP rs373862340, ClinGen allele CA274198.

ClinVar aggregate classification (germline): Pathogenic. Review status: criteria provided, multiple submitters, no conflicts (2 of 4 stars). 14 submissions from 14 submitters: Pathogenic (8). 6 of the submissions do not count toward it. Last evaluated 2026-09-01.

Conditions:
CNGB3-related retinopathy. Also called: CNGB3 retinopathy. Identifiers: MedGen CN305596, MONDO:0100446.
CNGB3-related disorder. Also called: CNGB3-related disorders; CNGB3-related condition. Identifiers: MedGen CN239340.
Retinal dystrophy. Also called: Inherited retinal dystrophy. Identifiers: Orphanet 71862, MedGen C0854723, MeSH D058499, MONDO:0019118, HP:0000556.
Achromatopsia. Also called: Rod monochromatism. Identifiers: Orphanet 49382, MedGen C0152200, MONDO:0018852, HP:0011516.
Achromatopsia 3 (ACHM3). Also called: PINGELAPESE BLINDNESS; TOTAL COLORBLINDNESS WITH MYOPIA; ROD MONOCHROMACY 1; ROD MONOCHROMATISM 1; ACHROMATOPSIA WITH MYOPIA. Identifiers: Orphanet 49382, MedGen C1849792, MONDO:0009875, OMIM 262300.

Allele frequency attached by ClinVar (database versions not stated): gnomAD exomes 0.00004; ExAC 0.00006; gnomAD 0.00007; ESP Exome Variant Server 0.00015.
gnomAD v4.1: 53 of 1,583,516 alleles (0.0033%); highest among the groups gnomAD compares: East Asian, 0.0045%; no homozygotes.

Submissions (14):

CeGaT Center for Human Genetics Tuebingen
Classification: Pathogenic. Last evaluated: 2026-09-01. Review status: criteria provided, single submitter. Criteria: CeGaT Center For Human Genetics Tuebingen Variant Classification Criteria Version 2. Collection method: clinical testing. Allele origin: germline. Affected: yes. Observed: 1 variant allele.
Comment: CNGB3: PVS1, PM3:Strong, PM2

Natera, Inc.
Classification: Pathogenic for Achromatopsia. Last evaluated: 2025-06-16. Review status: criteria provided, single submitter. Criteria: Natera Variant Classification Schema (03/2026). Collection method: clinical testing. Allele origin: germline.
Comment: The c.1006G>T variant in CNGB3 is a nonsense variant predicted to introduce a stop codon at amino acid 336. This variant is expected to result in nonsense mediated decay, truncation, or a dysfunctional protein product. This variant is rare in the general population with a frequency below the threshold expected for the associated phenotype(s). This variant has been observed in one or more individuals affected with the associated recessive disease, as either homozygous or compound heterozygous with a second variant (PMID: 28795510). Given the available evidence, this variant is classified as Pathogenic.

Labcorp Genetics (formerly Invitae), Labcorp
Classification: Pathogenic. Last evaluated: 2025-01-30. Review status: criteria provided, single submitter. Criteria: Invitae Variant Classification Sherloc (09022015). Collection method: clinical testing. Allele origin: germline.
Comment: This sequence change creates a premature translational stop signal (p.Glu336*) in the CNGB3 gene. It is expected to result in an absent or disrupted protein product. Loss-of-function variants in CNGB3 are known to be pathogenic (PMID: 28795510). This variant is present in population databases (rs373862340, gnomAD 0.02%). This premature translational stop signal has been observed in individual(s) with achromatopsia (PMID: 15657609, 24148654, 27479814, 28795510). ClinVar contains an entry for this variant (Variation ID: 188968). Algorithms developed to predict the effect of sequence changes on RNA splicing suggest that this variant may disrupt the consensus splice site. For these reasons, this variant has been classified as Pathogenic.

Blueprint Genetics
Classification: Pathogenic for CNGB3-related disorders. Last evaluated: 2024-07-12. Review status: criteria provided, single submitter. Criteria: ACMG Guidelines, 2015. Collection method: clinical testing. Allele origin: germline. Affected: yes. Observed: 5 variant alleles.

Fulgent Genetics
Classification: Pathogenic for Achromatopsia 3. Last evaluated: 2024-04-12. Review status: criteria provided, single submitter. Criteria: ACMG Guidelines, 2015. Collection method: clinical testing. Allele origin: germline.

Department of Pathology and Laboratory Medicine, Sinai Health System
Classification: Pathogenic for CNGB3-related retinopathy. Last evaluated: 2020-06-29. Review status: criteria provided, single submitter. Criteria: ACMG Guidelines, 2015. Collection method: research. Allele origin: germline.

Molecular Diagnostics Laboratory, M Health Fairview: University of Minnesota
Classification: Pathogenic for Achromatopsia. Last evaluated: 2018-10-03. Review status: criteria provided, single submitter. Criteria: ACMG Guidelines, 2015. Collection method: clinical testing. Allele origin: germline. Affected: yes. Observed: 1 variant allele.

Institute of Human Genetics, Univ. Regensburg, Univ. Regensburg
Classification: Pathogenic for Retinal dystrophy. Last evaluated: 2011-01-01. Review status: criteria provided, single submitter. Criteria: ACMG Guidelines, 2015. Collection method: clinical testing. Allele origin: germline. Affected: yes.

Sharon lab, Hadassah-Hebrew University Medical Center
Classification: Pathogenic for achromatopsia. Last evaluated: 2019-06-23. Review status: no assertion criteria provided. Collection method: research. Allele origin: inherited. Affected: yes. Not counted in ClinVar's aggregate classification.

Molecular Genetics Laboratory, Institute for Ophthalmic Research
Classification: Pathogenic for ACHM3. Last evaluated: 2017-03-27. Review status: no assertion criteria provided. Collection method: research. Allele origin: germline. Affected: yes. Not counted in ClinVar's aggregate classification.

Counsyl
Classification: Likely pathogenic for Achromatopsia 3. Last evaluated: 2014-09-17. Review status: no assertion criteria provided. Collection method: literature only. Allele origin: unknown. Inheritance: Autosomal recessive inheritance. Not counted in ClinVar's aggregate classification.

Clinical Genetics DNA and cytogenetics Diagnostics Lab, Erasmus MC, Erasmus Medical Center
Classification: Pathogenic. Review status: no assertion criteria provided. Collection method: clinical testing. Allele origin: germline. Affected: yes. Study: VKGL Data-share Consensus. Not counted in ClinVar's aggregate classification.

Joint Genome Diagnostic Labs from Nijmegen and Maastricht, Radboudumc and MUMC+
Classification: Pathogenic. Review status: no assertion criteria provided. Collection method: clinical testing. Allele origin: germline. Affected: yes. Study: VKGL Data-share Consensus. Not counted in ClinVar's aggregate classification.

Laboratory of Genetics in Ophthalmology, Institut Imagine
Classification: Pathogenic for Achromatopsia 3. Review status: no assertion criteria provided. Collection method: research. Allele origin: inherited. Affected: yes. Observed: 2 variant alleles. Not counted in ClinVar's aggregate classification.

Literature cited by the submitters: PubMed 28795510 (cited by 4 submitters); PubMed 15657609 (cited by Labcorp Genetics (formerly Invitae), Labcorp and Counsyl); PubMed 24148654 (cited by Labcorp Genetics (formerly Invitae), Labcorp and Counsyl); PubMed 27479814 (cited by Labcorp Genetics (formerly Invitae), Labcorp); PubMed 10958649 (cited by 3 submitters); PubMed 22975760 (cited by Institute of Human Genetics, Univ. Regensburg, Univ. Regensburg); PubMed 25525159 (cited by Institute of Human Genetics, Univ. Regensburg, Univ. Regensburg); PubMed 31589614 (cited by Institute of Human Genetics, Univ. Regensburg, Univ. Regensburg); PubMed 31964843 (cited by Institute of Human Genetics, Univ. Regensburg, Univ. Regensburg); PubMed 31456290 (cited by Institute of Human Genetics, Univ. Regensburg, Univ. Regensburg); PubMed 32531858 (cited by Institute of Human Genetics, Univ. Regensburg, Univ. Regensburg); PubMed 34426522 (cited by Institute of Human Genetics, Univ. Regensburg, Univ. Regensburg); PubMed 35456422 (cited by Institute of Human Genetics, Univ. Regensburg, Univ. Regensburg); PubMed 16319819 (cited by Counsyl).